The following is an entry in ClinVar:

NM_000179.3(MSH6):c.165_178delinsC (p.Gly56fs)

Gene: MSH6 (mutS homolog 6; plus strand). Cytogenetic location: 2p16.3.
Variant type: Indel.
Coding change: c.165_178delinsC on transcript NM_000179.3 (MANE Select); coding-DNA positions 165 to 178, TGGGCCCAGGCCCT replaced by C.
Protein change: p.Gly56fs; shifts the reading frame from glycine 56.
Molecular consequence: frameshift variant. On other transcripts: 5 prime UTR variant (1).
Genome position (GRCh38, 1-based): chr2:47,783,398-47,783,411, TGGGCCCAGGCCCT replaced by C. VCF-style: chr2-47783398-TGGGCCCAGGCCCT-C. GRCh37 (hg19) VCF-style: chr2-48010537-TGGGCCCAGGCCCT-C.
Other names: c.110_123delTGGGCCCAGGCCCTinsC, p.Leu37Profs (NM_001406804.1); c.-764_-751delTGGGCCCAGGCCCTinsC (NM_001406807.1); c.165_178delTGGGCCCAGGCCCTinsC, p.Gly56Trpfs (NM_001406808.1, NM_001406809.1, NM_001406813.1 and 8 more transcripts); c.-572_-559delTGGGCCCAGGCCCTinsC (NM_001406811.1); c.-419_-406delTGGGCCCAGGCCCTinsC (NM_001406812.1); c.-830_-817delTGGGCCCAGGCCCTinsC (NM_001406814.1); c.-375_-362delTGGGCCCAGGCCCTinsC (NM_001406816.1); c.165_178delinsC, p.Gly56fs (NM_001281492.2); and 3 more; short protein forms G56fs.
Identifiers: ClinVar variation 1777236 (VCV001777236.3), dbSNP rs2530320026, ClinGen allele CA2580067076.
Genomic context (GRCh38, chr2:47,783,398, plus strand): 5'-CGCTGCCCCCGGGGCCTCTCCTTCCCCAGGCGGGGATGCGGCCTGGAGCGAGGCTGGGCC[TGGGCCCAGGCCCT>C]TGGCGCGCTCCGCGTCACCGCCCAAGGCGAAGAACCTCAACGGAGGGCTGCGGAGATCGG-3'

ClinVar aggregate classification (germline): Pathogenic (1 of 4 stars; one submission).

Conditions:
Hereditary cancer-predisposing syndrome. Also called: Neoplastic Syndromes, Hereditary; Tumor predisposition; Hereditary Cancer Syndrome; Hereditary neoplastic syndrome. Identifiers: Orphanet 140162, MedGen C0027672, MeSH D009386, MONDO:0015356.

Submission:

Ambry Genetics
Classification: Pathogenic for Hereditary cancer-predisposing syndrome. Last evaluated: 2025-05-23. Review status: criteria provided, single submitter. Criteria: Ambry Variant Classification Scheme 2023. Collection method: clinical testing. Allele origin: germline.
Comment: The c.165_178del14insC pathogenic mutation, located in coding exon 1 of the MSH6 gene, results from the deletion of 14 nucleotides and insertion of one nucleotide at positions 165 to 178, causing a translational frameshift with a predicted alternate stop codon (p.G56Wfs*21). This variant is considered to be rare based on population cohorts in the Genome Aggregation Database (gnomAD). This alteration is expected to result in loss of function by premature protein truncation or nonsense-mediated mRNA decay. As such, this alteration is interpreted as a disease-causing mutation.